The following is an entry in ClinVar:

NM_000302.4(PLOD1):c.1807A>G (p.Met603Val)

Gene: PLOD1 (procollagen-lysine,2-oxoglutarate 5-dioxygenase 1; plus strand). Cytogenetic location: 1p36.22.
Variant type: single nucleotide variant.
Coding change: c.1807A>G on transcript NM_000302.4 (MANE Select); coding-DNA position 1807, A replaced by G.
Protein change: p.Met603Val; replaces methionine 603 with valine.
Molecular consequence: missense variant.
Genome position (GRCh38, 1-based): chr1:11,970,721, A>G. VCF-style: chr1-11970721-A-G. GRCh37 (hg19) VCF-style: chr1-12030778-A-G.
Other names: c.1948A>G, p.Met650Val (NM_001316320.2); short protein forms M650V, M603V.
Identifiers: ClinVar variation 3307802 (VCV003307802.1).

ClinVar aggregate classification (germline): Uncertain significance (1 of 4 stars; one submission).

Conditions:
Familial thoracic aortic aneurysm and aortic dissection (TAAD). Also called: Thoracic aortic aneurysms and dissections. Identifiers: Orphanet 91387, MedGen C4707243, MONDO:0019625.

gnomAD v4.1: 1 of 1,612,830 alleles (0.000062%); highest among the groups gnomAD compares: Non-Finnish European, 0.000085%; no homozygotes.

Submission:

Ambry Genetics
Classification: Uncertain significance for Familial thoracic aortic aneurysm and aortic dissection. Last evaluated: 2024-04-28. Review status: criteria provided, single submitter. Criteria: Ambry Variant Classification Scheme 2023. Collection method: clinical testing. Allele origin: germline.
Comment: The p.M603V variant (also known as c.1807A>G), located in coding exon 17 of the PLOD1 gene, results from an A to G substitution at nucleotide position 1807. The methionine at codon 603 is replaced by valine, an amino acid with highly similar properties. This amino acid position is conserved. In addition, this alteration is predicted to be deleterious by in silico analysis. Based on the available evidence, the clinical significance of this variant remains unclear.